The following is an entry in ClinVar:

ClinVar aggregate classification (germline): Uncertain significance (1 of 4 stars; one submission).

gnomAD v4.1: 44 of 1,612,308 alleles (0.0027%); highest among the groups gnomAD compares: African/African-American, 0.0053%; no homozygotes.

Submission:

GeneDx
Classification: Uncertain significance. Last evaluated: 2024-12-27. Review status: criteria provided, single submitter. Criteria: GeneDx Variant Classification Process June 2021. Collection method: clinical testing. Allele origin: germline. Affected: yes.
Comment: In silico analysis supports a deleterious effect on splicing; Has not been previously published as pathogenic or benign to our knowledge; Variants in candidate genes are classified as variants of uncertain significance in accordance with ACMG guidelines (PMID: 25741868)

NM_001347886.2(DNAH3):c.1740G>A (p.Thr580=)

Gene: DNAH3 (dynein axonemal heavy chain 3; minus strand). Cytogenetic location: 16p12.3.
Variant type: single nucleotide variant.
Coding change: c.1740G>A on transcript NM_001347886.2 (MANE Select); coding-DNA position 1740, G replaced by A.
Protein change: p.Thr580=; no amino-acid change (threonine 580 retained).
Molecular consequence: synonymous variant.
Genome position (GRCh38, 1-based): chr16:21,111,993, C>T on the plus strand (G>A on the coding strand, the complement: DNAH3 is on the minus strand). VCF-style: chr16-21111993-C-T. GRCh37 (hg19) VCF-style: chr16-21123314-C-T.
Other names: c.1740G>A, p.Thr580= (NM_001394581.1); c.1920G>A, p.Thr640= (NM_017539.2).
Identifiers: ClinVar variation 3907861 (VCV003907861.1).